The following is an entry in ClinVar:

ClinVar aggregate classification (germline): Conflicting classifications of pathogenicity. Review status: criteria provided, conflicting classifications (1 of 4 stars). 6 submissions from 6 submitters: Uncertain significance (5); Likely benign (1). Last evaluated 2025-11-09.

Conditions:
Hypertrophic cardiomyopathy 9. Also called: Familial hypertrophic cardiomyopathy 9. Identifiers: MedGen C1861065, MONDO:0013412, OMIM 613765.
Early-onset myopathy with fatal cardiomyopathy (CMYO5). Also called: CONGENITAL MYOPATHY 5 WITH CARDIOMYOPATHY; Salih Myopathy. Identifiers: Orphanet 289377, MedGen C2673677, MONDO:0012714, OMIM 611705. Disease mechanism: loss of function.
Autosomal recessive limb-girdle muscular dystrophy type 2J (LGMDR10). Also called: Limb-girdle muscular dystrophy, type 2J; MUSCULAR DYSTROPHY, LIMB-GIRDLE, AUTOSOMAL RECESSIVE 10. Identifiers: Orphanet 140922, MedGen C1837342, MONDO:0012127, OMIM 608807.
Dilated cardiomyopathy 1G (CMD1G). Identifiers: Orphanet 154, MedGen C1858763, MONDO:0011400, OMIM 604145.
Myopathy, myofibrillar, 9, with early respiratory failure (MFM9). Also called: Hereditary myopathy with early respiratory failure; EDSTROM MYOPATHY; Myopathy, distal, with early respiratory failure, autosomal dominant; MYOPATHY, PROXIMAL, WITH EARLY RESPIRATORY MUSCLE INVOLVEMENT. Identifiers: Orphanet 178464, Orphanet 34521, MedGen C1863599, MONDO:0011362, OMIM 603689.
Tibial muscular dystrophy (TMD). Also called: Udd Distal Myopathy – Tibial Muscular Dystrophy; Tibial muscular dystrophy, tardive; UDD MYOPATHY. Identifiers: Orphanet 609, MedGen C1838244, MONDO:0010870, OMIM 600334.
Cardiovascular phenotype. Identifiers: MedGen CN230736.
Primary dilated cardiomyopathy (DCM). Also called: Dilated Cardiomyopathy. Identifiers: Orphanet 217604, MedGen C0007193, MeSH D002311, MONDO:0005021, HP:0001644. Inheritance: Various modes of inheritance.

Allele frequency attached by ClinVar (database versions not stated): ExAC 0.00002; gnomAD exomes 0.00002 and 0.00003; gnomAD 0.00003; TOPMed 0.00003.
gnomAD v4.1: 35 of 1,600,930 alleles (0.0022%); highest among the groups gnomAD compares: Non-Finnish European, 0.0027%; no homozygotes.

Submissions (6):

Labcorp Genetics (formerly Invitae), Labcorp
Classification: Uncertain significance for Dilated cardiomyopathy 1G; Autosomal recessive limb-girdle muscular dystrophy type 2J. Last evaluated: 2025-11-09. Review status: criteria provided, single submitter. Criteria: Invitae Variant Classification Sherloc (09022015). Collection method: clinical testing. Allele origin: germline.
Comment: This sequence change falls in intron 7 of the TTN gene. It does not directly change the encoded amino acid sequence of the TTN protein. It affects a nucleotide within the consensus splice site. This variant is present in population databases (rs757221300, gnomAD 0.007%). This variant has been observed in individual(s) with dilated cardiomyopathy (PMID: 33106378). ClinVar contains an entry for this variant (Variation ID: 223251). Variants that disrupt the consensus splice site are a relatively common cause of aberrant splicing (PMID: 17576681, 9536098). Algorithms developed to predict the effect of sequence changes on RNA splicing suggest that this variant may disrupt the consensus splice site. This variant is located in the Z band of TTN (PMID: 25589632). Non-truncating variants in this region may be clinically relevant, but have not been definitively shown to cause cardiomyopathy or neuromuscular disease (PMID: 27493940, 32778822). In summary, the available evidence is currently insufficient to determine the role of this variant in disease. Therefore, it has been classified as a Variant of Uncertain Significance.

Blueprint Genetics
Classification: Likely benign. Last evaluated: 2024-09-14. Review status: criteria provided, single submitter. Criteria: ACMG Guidelines, 2015. Collection method: clinical testing. Allele origin: germline.

GeneDx
Classification: Uncertain significance. Last evaluated: 2024-08-20. Review status: criteria provided, single submitter. Criteria: GeneDx Variant Classification Process June 2021. Collection method: clinical testing. Allele origin: germline. Affected: yes.
Comment: Located in the Z-disk region of titin, whereas the majority of truncating pathogenic variants associated with DCM have been reported in the A-band region or other constitutive exons in the I-band region of the TTN gene (PMID: 27625338, 27869827, 22335739); In the absence of RNA/functional studies, the actual effect of this sequence change is unknown; In silico analysis indicates that this variant does not alter splicing; This variant is associated with the following publications: (PMID: 33106378, 25589632, 27625338, 27869827, 22335739)

Ambry Genetics
Classification: Uncertain significance for Cardiovascular phenotype. Last evaluated: 2023-04-18. Review status: criteria provided, single submitter. Criteria: Ambry Variant Classification Scheme 2023. Collection method: clinical testing. Allele origin: germline.
Comment: The c.1245+3A>G intronic variant results from an A to G substitution 3 nucleotides after coding exon 6 in the TTN gene. This nucleotide position is highly conserved in available vertebrate species. This variant has been detected in a dilated cardiomyopathy cohort and in the Framingham Heart Study cohort; however, clinical details were limited (Roberts AM et al. Sci Transl Med, 2015 Jan;7:270ra6; Vissing CR et al. J Med Genet. 2021 Dec;58(12):832-841). In silico splice site analysis for this alteration is inconclusive. Since supporting evidence is limited at this time, the clinical significance of this alteration remains unclear.

Fulgent Genetics
Classification: Uncertain significance for Tibial muscular dystrophy; Myopathy, myofibrillar, 9, with early respiratory failure; Dilated cardiomyopathy 1G; Autosomal recessive limb-girdle muscular dystrophy type 2J; Early-onset myopathy with fatal cardiomyopathy; Hypertrophic cardiomyopathy 9. Last evaluated: 2021-12-08. Review status: criteria provided, single submitter. Criteria: ACMG Guidelines, 2015. Collection method: clinical testing. Allele origin: unknown.

Cardiovascular Biomedical Research Unit, Royal Brompton & Harefield NHS Foundation Trust
Classification: Uncertain significance for Primary dilated cardiomyopathy. Last evaluated: 2014-10-08. Review status: criteria provided, single submitter. Criteria: Roberts et al. 2015. Collection method: research. Allele origin: germline. Inheritance: Autosomal dominant inheritance. Affected: no. Observed: 1 variant allele. Study: FHS cohort.
Comment: In the seven cohorts assessed, TTNtv were found in 14% of ambulant DCM, 22% end-stage or familial DCM, and 2% controls. Heterozygous nonsense, frameshift and canonical splice-disrupting variants found in constitutive and other highly utilised exons are highly likely to be pathogenic when identified in individuals with phenotypically confirmed DCM. TTNtv found incidentally in healthy individuals (excluding familial assessment of DCM relatives) are thought to have low penetrance, particularly when identified in exons that are not constitutively expressed in the heart.

Literature cited by the submitters: PubMed 33106378 (cited by Labcorp Genetics (formerly Invitae), Labcorp and Ambry Genetics); PubMed 17576681 (cited by Labcorp Genetics (formerly Invitae), Labcorp); PubMed 9536098 (cited by Labcorp Genetics (formerly Invitae), Labcorp); PubMed 25589632 (cited by Labcorp Genetics (formerly Invitae), Labcorp and Ambry Genetics); PubMed 27493940 (cited by Labcorp Genetics (formerly Invitae), Labcorp); PubMed 32778822 (cited by Labcorp Genetics (formerly Invitae), Labcorp).

NM_001267550.2(TTN):c.1245+3A>G

Gene: TTN (titin; minus strand). Cytogenetic location: 2q31.2.
Variant type: single nucleotide variant.
Coding change: c.1245+3A>G on transcript NM_001267550.2 (MANE Select); 3 bases into the intron after coding-DNA position 1245, A replaced by G.
Molecular consequence: intron variant.
Genome position (GRCh38, 1-based): chr2:178,794,919, T>C on the plus strand (A>G on the coding strand, the complement: TTN is on the minus strand). VCF-style: chr2-178794919-T-C. GRCh37 (hg19) VCF-style: chr2-179659646-T-C.
Other names: c.1245+3A>G (NM_003319.4, NM_133437.4, NM_133432.3 and 4 more transcripts).
Identifiers: ClinVar variation 223251 (VCV000223251.16), dbSNP rs757221300, ClinGen allele CA114676.